The following is an entry in ClinVar:

NM_017934.7(PHIP):c.3815A>G (p.Tyr1272Cys)

Genes: IRAK1BP1 (interleukin 1 receptor associated kinase 1 binding protein 1; plus strand), PHIP (PHIP subunit of CUL4-Ring ligase complex; minus strand). Cytogenetic location: 6q14.1.
Variant type: single nucleotide variant.
Coding change: c.3815A>G on transcript NM_017934.7 (MANE Select); coding-DNA position 3815, A replaced by G.
Protein change: p.Tyr1272Cys; replaces tyrosine 1272 with cysteine.
Molecular consequence: missense variant.
Genome position (GRCh38, 1-based): chr6:78,955,650, T>C on the plus strand (A>G on the coding strand, the complement: PHIP is on the minus strand). VCF-style: chr6-78955650-T-C. GRCh37 (hg19) VCF-style: chr6-79665367-T-C.
Other names: c.3815A>G (NM_017934.6); short protein forms Y1272C.
Identifiers: ClinVar variation 2171729 (VCV002171729.6), dbSNP rs148189504, ClinGen allele CA3899600.
Genomic context (GRCh38, chr6:78,955,650, plus strand): 5'-AATAATAATGAAATATTACATACCTCAGAATCAGACAAAACTTTCTTCTTCATTGAATTA[T>C]AAAGTGGAATTATGTTATAACAAGTCTGATCCCTACATAACAAGGAAATGTTAACATGTA-3'
Protein context (NP_060404.4, residues 1262-1282): DQTCYNIIPL[Tyr1272Cys]NSMKKKVLSD

ClinVar aggregate classification (germline): Likely benign. Review status: criteria provided, single submitter (1 of 4 stars). 2 submissions from 2 submitters: Likely benign (1). 1 of the submissions does not count toward it. Last evaluated 2025-06-12.

Conditions:
PHIP-related disorder. Also called: PHIP-related condition; PHIP-related disorders.

Allele frequency attached by ClinVar (database versions not stated): gnomAD exomes 0.00002; ExAC 0.00009; gnomAD 0.00022; 1000 Genomes Project 30x 0.00031; ESP Exome Variant Server 0.00031; TOPMed 0.00031; 1000 Genomes Project 0.00040.
gnomAD v4.1: 53 of 1,097,904 alleles (0.0048%); highest among the groups gnomAD compares: African/African-American, 0.071%; no homozygotes.

Submissions (2):

Labcorp Genetics (formerly Invitae), Labcorp
Classification: Likely benign. Last evaluated: 2025-06-12. Review status: criteria provided, single submitter. Criteria: Invitae Variant Classification Sherloc (09022015). Collection method: clinical testing. Allele origin: germline.

PreventionGenetics, part of Exact Sciences
Classification: Likely benign for PHIP-related condition. Last evaluated: 2022-03-10. Review status: no assertion criteria provided. Collection method: clinical testing. Allele origin: germline. Not counted in ClinVar's aggregate classification.
Comment: This variant is classified as likely benign based on ACMG/AMP sequence variant interpretation guidelines (Richards et al. 2015 PMID: 25741868, with internal and published modifications).